The following is an entry in ClinVar:

ClinVar aggregate classification (germline): Uncertain significance (1 of 4 stars; one submission).

gnomAD v4.1: 1 of 1,547,828 alleles (0.000065%); highest among the groups gnomAD compares: Non-Finnish European, 0.000087%; no homozygotes.

Submission:

Labcorp Genetics (formerly Invitae), Labcorp
Classification: Uncertain significance. Last evaluated: 2022-05-09. Review status: criteria provided, single submitter. Criteria: Invitae Variant Classification Sherloc (09022015). Collection method: clinical testing. Allele origin: germline.
Comment: In summary, the available evidence is currently insufficient to determine the role of this variant in disease. Therefore, it has been classified as a Variant of Uncertain Significance. Algorithms developed to predict the effect of missense changes on protein structure and function are either unavailable or do not agree on the potential impact of this missense change (SIFT: "Tolerated"; PolyPhen-2: "Possibly Damaging"; Align-GVGD: "Class C0"). This variant has not been reported in the literature in individuals affected with ARHGEF10-related conditions. This variant is not present in population databases (gnomAD no frequency). This sequence change replaces arginine, which is basic and polar, with serine, which is neutral and polar, at codon 351 of the ARHGEF10 protein (p.Arg351Ser).

NM_014629.4(ARHGEF10):c.1053G>T (p.Arg351Ser)

Gene: ARHGEF10 (Rho guanine nucleotide exchange factor 10; plus strand). Cytogenetic location: 8p23.3.
Variant type: single nucleotide variant.
Coding change: c.1053G>T on transcript NM_014629.4 (MANE Select); coding-DNA position 1053, G replaced by T.
Protein change: p.Arg351Ser; replaces arginine 351 with serine.
Molecular consequence: missense variant.
Genome position (GRCh38, 1-based): chr8:1,882,727, G>T. VCF-style: chr8-1882727-G-T. GRCh37 (hg19) VCF-style: chr8-1830893-G-T.
Other names: c.939G>T, p.Arg313Ser (NM_001308152.2); c.1056G>T, p.Arg352Ser (NM_001308153.3); short protein forms R376S, R351S, R313S, R352S.
Identifiers: ClinVar variation 2135786 (VCV002135786.4), dbSNP rs2537206193, ClinGen allele CA369957012.